The following is an entry in ClinVar:

ClinVar aggregate classification (germline): Uncertain significance (1 of 4 stars; one submission).

Conditions:
PCNT-related disorder. Also called: PCNT-related condition.

Submission:

PreventionGenetics, part of Exact Sciences
Classification: Uncertain significance for PCNT-related condition. Last evaluated: 2025-03-10. Review status: criteria provided, single submitter. Criteria: ACMG Guidelines, 2015. Collection method: clinical testing. Allele origin: germline.
Comment: The PCNT c.713A>G variant is predicted to result in the amino acid substitution p.Gln238Arg. To our knowledge, this variant has not been reported in the literature or in a large population database (gnomAD), indicating this variant is rare. At this time, the clinical significance of this variant is uncertain due to the absence of conclusive functional and genetic evidence.

NM_006031.6(PCNT):c.713A>G (p.Gln238Arg)

Gene: PCNT (pericentrin; plus strand). Cytogenetic location: 21q22.3.
Variant type: single nucleotide variant.
Coding change: c.713A>G on transcript NM_006031.6 (MANE Select); coding-DNA position 713, A replaced by G.
Protein change: p.Gln238Arg; replaces glutamine 238 with arginine.
Molecular consequence: missense variant.
Genome position (GRCh38, 1-based): chr21:46,346,201, A>G. VCF-style: chr21-46346201-A-G. GRCh37 (hg19) VCF-style: chr21-47766115-A-G.
Other names: c.359A>G, p.Gln120Arg (NM_001315529.2); short protein forms Q120R, Q238R.
Identifiers: ClinVar variation 4997138 (VCV004997138.1).